The following is an entry in ClinVar:

ClinVar aggregate classification (germline): Likely benign (1 of 4 stars; one submission).

Allele frequency attached by ClinVar (database versions not stated): TOPMed below 0.00001; gnomAD 0.00001; gnomAD exomes 0.00001.
gnomAD v4.1: 12 of 1,067,836 alleles (0.0011%); highest among the groups gnomAD compares: Non-Finnish European, 0.0011%; no homozygotes.

Submission:

CeGaT Center for Human Genetics Tuebingen
Classification: Likely benign. Last evaluated: 2023-04-01. Review status: criteria provided, single submitter. Criteria: CeGaT Center For Human Genetics Tuebingen Variant Classification Criteria Version 2. Collection method: clinical testing. Allele origin: germline. Affected: yes. Observed: 1 variant allele.
Comment: STK11: BP4

NM_000455.5(STK11):c.1108+460C>T

Gene: STK11 (serine/threonine kinase 11; plus strand). Cytogenetic location: 19p13.3.
Variant type: single nucleotide variant.
Coding change: c.1108+460C>T on transcript NM_000455.5 (MANE Select); 460 bases into the intron after coding-DNA position 1108, C replaced by T.
Molecular consequence: intron variant.
Genome position (GRCh38, 1-based): chr19:1,223,632, C>T. VCF-style: chr19-1223632-C-T. GRCh37 (hg19) VCF-style: chr19-1223631-C-T.
Other names: c.1109-6C>T (NM_001407255.1).
Identifiers: ClinVar variation 2571023 (VCV002571023.27), dbSNP rs1039238860, ClinGen allele CA304029389.
Genomic context (GRCh38, chr19:1,223,632, plus strand): 5'-GCCCTCCCTCCCGTCGTCCCTGAGGCCTGCCCGCTGGCCCTGATGCCGGCCGCCCTTCTT[C>T]CCTAGGTGGCGAGGAGGCGTCTGAGGCAGGGCTTAGAGCGGAGCGCGGCTTGCAGAAGAG-3'